The following is an entry in ClinVar:

NM_002693.3(POLG):c.1980T>C (p.Cys660=)

Gene: POLG (DNA polymerase gamma, catalytic subunit; minus strand). Cytogenetic location: 15q26.1.
Variant type: single nucleotide variant.
Coding change: c.1980T>C on transcript NM_002693.3 (MANE Select); coding-DNA position 1980, T replaced by C.
Protein change: p.Cys660=; no amino-acid change (cysteine 660 retained).
Molecular consequence: synonymous variant.
Genome position (GRCh38, 1-based): chr15:89,324,197, A>G on the plus strand (T>C on the coding strand, the complement: POLG is on the minus strand). VCF-style: chr15-89324197-A-G. GRCh37 (hg19) VCF-style: chr15-89867428-A-G.
Other names: c.1980T>C, p.Cys660= (NM_001126131.2); c.1980T>C (NM_002693.2).
Identifiers: ClinVar variation 595870 (VCV000595870.6), dbSNP rs770668521, ClinGen allele CA7724626.

ClinVar aggregate classification (germline): Conflicting classifications of pathogenicity. Review status: criteria provided, conflicting classifications (1 of 4 stars). 2 submissions from 2 submitters: Uncertain significance (1); Likely benign (1). Last evaluated 2024-12-27.

Conditions:
POLG-related disorder. Also called: POLG-Related Spectrum Disorders; POLG-related condition; POLG-Related Disorders. Identifiers: MedGen C4763519.

Allele frequency attached by ClinVar (database versions not stated): gnomAD exomes below 0.00001 and 0.00001; ExAC 0.00001; gnomAD 0.00003.

Submissions (2):

PreventionGenetics, part of Exact Sciences
Classification: Likely benign for POLG-related condition. Last evaluated: 2024-12-27. Review status: criteria provided, single submitter. Criteria: ACMG Guidelines, 2015. Collection method: clinical testing. Allele origin: germline.
Comment: This variant is classified as likely benign based on ACMG/AMP sequence variant interpretation guidelines (Richards et al. 2015 PMID: 25741868, with internal and published modifications).

Eurofins Ntd Llc (ga)
Classification: Uncertain significance. Last evaluated: 2018-02-10. Review status: criteria provided, single submitter. Criteria: EGL ClinVar v180209 classification definitions. Collection method: clinical testing. Allele origin: germline. Observed: 1 variant allele, 1 heterozygote.